The following is an entry in ClinVar:

ClinVar aggregate classification (germline): Uncertain significance (1 of 4 stars; one submission).

Conditions:
Melanoma, cutaneous malignant, susceptibility to, 5. Also called: Cutaneous malignant melanoma 5. Identifiers: Orphanet 618, MedGen C2751295, MONDO:0013133, OMIM 613099.

Submission:

Labcorp Genetics (formerly Invitae), Labcorp
Classification: Uncertain significance for Melanoma, cutaneous malignant, susceptibility to, 5. Last evaluated: 2023-08-28. Review status: criteria provided, single submitter. Criteria: Invitae Variant Classification Sherloc (09022015). Collection method: clinical testing. Allele origin: germline.
Comment: In summary, the available evidence is currently insufficient to determine the role of this variant in disease. Therefore, it has been classified as a Variant of Uncertain Significance. This variant has not been reported in the literature in individuals affected with MC1R-related conditions. This variant is not present in population databases (gnomAD no frequency). This sequence change affects codon 218 of the MC1R mRNA. It is a 'silent' change, meaning that it does not change the encoded amino acid sequence of the MC1R protein.

NM_002386.4(MC1R):c.654C>T (p.Ala218=)

Gene: MC1R (melanocortin 1 receptor; plus strand). Cytogenetic location: 16q24.3.
Variant type: single nucleotide variant.
Coding change: c.654C>T on transcript NM_002386.4 (MANE Select); coding-DNA position 654, C replaced by T.
Protein change: p.Ala218=; no amino-acid change (alanine 218 retained).
Molecular consequence: synonymous variant.
Genome position (GRCh38, 1-based): chr16:89,919,912, C>T. VCF-style: chr16-89919912-C-T. GRCh37 (hg19) VCF-style: chr16-89986320-C-T.
Identifiers: ClinVar variation 2756167 (VCV002756167.3), dbSNP rs2544610087, ClinGen allele CA497381053.